The following is an entry in ClinVar:

NM_000179.3(MSH6):c.1607del (p.Ser536fs)

Gene: MSH6 (mutS homolog 6; plus strand). Cytogenetic location: 2p16.3.
Variant type: Deletion.
Coding change: c.1607del on transcript NM_000179.3 (MANE Select); coding-DNA position 1607, one base deleted (G; older notation c.1607delG).
Protein change: p.Ser536fs; shifts the reading frame from serine 536.
Molecular consequence: frameshift variant.
Genome position (GRCh38, 1-based): chr2:47,799,590, G deleted. VCF-style (leftmost placement, unchanged base first): chr2-47799589-AG-A. GRCh37 (hg19) VCF-style: chr2-48026728-AG-A.
Other names: c.1217del, p.Ser406fs (NM_001281492.2); c.701del, p.Ser234fs (NM_001281493.2, NM_001281494.2); c.1703delG, p.Ser568Ilefs (NM_001406795.1, NM_001406802.1); c.1607delG, p.Ser536Ilefs (NM_001406796.1, NM_001406798.1, NM_001406800.1 and 3 more transcripts); c.1310delG, p.Ser437Ilefs (NM_001406797.1, NM_001406801.1, NM_001406805.1 and 10 more transcripts); c.1082delG, p.Ser361Ilefs (NM_001406799.1, NM_001406806.1, NM_001406807.1); c.1529delG, p.Ser510Ilefs (NM_001406804.1); c.701delG, p.Ser234Ilefs (NM_001406811.1, NM_001406812.1, NM_001406814.1 and 4 more transcripts); and 2 more; short protein forms S234fs, S536fs, S406fs.
Identifiers: ClinVar variation 1776315 (VCV001776315.3), dbSNP rs2530619491, ClinGen allele CA2580067656.
Genomic context (GRCh38, chr2:47,799,589, plus strand): 5'-ATCATTACCAAGGGTACACAGACTTACAGTGTGCTGGAAGGTGATCCCTCTGAGAACTAC[AG>A]TAAGTATCTTCTTAGCCTCAAAGAAAAAGAGGAAGATTCTTCTGGCCATACTCGTGCATA-3'

ClinVar aggregate classification (germline): Pathogenic (1 of 4 stars; one submission).

Conditions:
Hereditary cancer-predisposing syndrome. Also called: Neoplastic Syndromes, Hereditary; Tumor predisposition; Hereditary Cancer Syndrome; Hereditary neoplastic syndrome. Identifiers: Orphanet 140162, MedGen C0027672, MeSH D009386, MONDO:0015356.

Submission:

Ambry Genetics
Classification: Pathogenic for Hereditary cancer-predisposing syndrome. Last evaluated: 2024-10-04. Review status: criteria provided, single submitter. Criteria: Ambry Variant Classification Scheme 2023. Collection method: clinical testing. Allele origin: germline.
Comment: The c.1607delG pathogenic mutation, located in coding exon 4 of the MSH6 gene, results from a deletion of one nucleotide at nucleotide position 1607, causing a translational frameshift with a predicted alternate stop codon (p.S536Ifs*35). This variant is considered to be rare based on population cohorts in the Genome Aggregation Database (gnomAD). This alteration is expected to result in loss of function by premature protein truncation or nonsense-mediated mRNA decay. As such, this alteration is interpreted as a disease-causing mutation.